The following is an entry in ClinVar:

NM_005560.6(LAMA5):c.7349C>T (p.Ala2450Val)

Gene: LAMA5 (laminin subunit alpha 5; minus strand). Cytogenetic location: 20q13.33.
Variant type: single nucleotide variant.
Coding change: c.7349C>T on transcript NM_005560.6 (MANE Select); coding-DNA position 7349, C replaced by T.
Protein change: p.Ala2450Val; replaces alanine 2450 with valine.
Molecular consequence: missense variant.
Genome position (GRCh38, 1-based): chr20:62,317,669, G>A on the plus strand (C>T on the coding strand, the complement: LAMA5 is on the minus strand). VCF-style: chr20-62317669-G-A. GRCh37 (hg19) VCF-style: chr20-60892725-G-A.
Other names: short protein forms A2450V.
Identifiers: ClinVar variation 3617015 (VCV003617015.2).
Genomic context (GRCh38, chr20:62,317,669, plus strand): 5'-GGAGGGAGTTGGCCGTGGATGGGGTGGCGACAGGGGCCAGGGGCTGCACTCACCTCCTTA[G>A]CCTGGTCCAGGCTGTGCAGCAATCTGAAGACGCTGGCCAGGGTGTCCCTAGCCGCATGCA-3'
Protein context (NP_005551.3, residues 2440-2460): VFRLLHSLDQ[Ala2450Val]KEELERLAAS

ClinVar aggregate classification (germline): Uncertain significance (1 of 4 stars; one submission).

gnomAD v4.1: 79 of 1,585,494 alleles (0.005%); highest among the groups gnomAD compares: Non-Finnish European, 0.0067%; no homozygotes.

Submission:

Labcorp Genetics (formerly Invitae), Labcorp
Classification: Uncertain significance. Last evaluated: 2025-06-12. Review status: criteria provided, single submitter. Criteria: Invitae Variant Classification Sherloc (09022015). Collection method: clinical testing. Allele origin: germline.
Comment: This sequence change replaces alanine, which is neutral and non-polar, with valine, which is neutral and non-polar, at codon 2450 of the LAMA5 protein (p.Ala2450Val). This variant is present in population databases (rs374515191, gnomAD 0.008%). This variant has not been reported in the literature in individuals affected with LAMA5-related conditions. ClinVar contains an entry for this variant (Variation ID: 3617015). Invitae Evidence Modeling of protein sequence and biophysical properties (such as structural, functional, and spatial information, amino acid conservation, physicochemical variation, residue mobility, and thermodynamic stability) indicates that this missense variant is not expected to disrupt LAMA5 protein function with a negative predictive value of 80%. In summary, the available evidence is currently insufficient to determine the role of this variant in disease. Therefore, it has been classified as a Variant of Uncertain Significance.